The following is an entry in ClinVar:

ClinVar aggregate classification (germline): Pathogenic (1 of 4 stars; one submission).

Conditions:
Familial cancer of breast. Also called: hereditary breast carcinoma; BREAST CANCER, FAMILIAL; Hereditary breast cancer. Identifiers: Orphanet 227535, MedGen C0346153, MONDO:0016419, OMIM 114480. Disease mechanism: loss of function.

Submission:

Department of Genetics and Molecular Biology, Isfahan University of Medical Sciences
Classification: Pathogenic for Familial cancer of breast. Last evaluated: 2024-10-01. Review status: criteria provided, single submitter. Criteria: ACMG Guidelines, 2015. Collection method: clinical testing. Allele origin: germline. Inheritance: Autosomal dominant inheritance. Affected: yes. Observed: 1 heterozygote.
Comment: Analyzing the data obtained from ES identified a heterozygous frameshift variant (c.3104_3105insT, p.F1035Lfs*12) in exon 18 of the RECQL4 gene (NM_004260.4). This one nucleotide insertion causes termination of translation at amino acid 1046 rather than 1209, which losses its catalytic competent. The pathogenicity effects of this variant were confirmed according to the ACMG guidelines (met PVS1, PS1, PM1, PM2 and PM4 criteria).

Literature cited by the submitters: DOI 10.1016/j.celrep.2014.03.037.

NM_004260.4(RECQL4):c.3104dup (p.His1036fs)

Gene: RECQL4 (RecQ like helicase 4; minus strand). Cytogenetic location: 8q24.3.
Variant type: Duplication.
Coding change: c.3104dup on transcript NM_004260.4 (MANE Select); coding-DNA position 3104, one base duplicated (T; older notation c.3104dupT).
Protein change: p.His1036fs; shifts the reading frame from histidine 1036.
Molecular consequence: frameshift variant. On other transcripts: non-coding transcript variant (2).
Genome position (GRCh38, 1-based): chr8:144,512,276, A duplicated on the plus strand (T on the coding strand, the reverse complement: RECQL4 is on the minus strand); the first of 2 consecutive A bases (chr8:144,512,276-144,512,277); duplicating either gives the same sequence. VCF-style (leftmost placement, unchanged base first): chr8-144512275-G-GA. GRCh37 (hg19) VCF-style: chr8-145737658-G-GA.
Other names: c.3104_3105insT (NM_004260.4); c.2810dup, p.His938fs (NM_001413017.1); c.2906dup, p.His970fs (NM_001413018.1); c.3179dup, p.His1061fs (NM_001413019.1); c.3008dup, p.His1004fs (NM_001413020.1); c.2033dup, p.His679fs (NM_001413021.1, NM_001413022.1, NM_001413024.1 and 4 more transcripts); c.2108dup, p.His704fs (NM_001413023.1); c.2975dup, p.His993fs (NM_001413025.1); and 10 more; short protein forms H1004fs, H1026fs, H1036fs, H1061fs, H547fs, H613fs, H635fs, H657fs.
Identifiers: ClinVar variation 4073622 (VCV004073622.1).
Genomic context (GRCh38, chr8:144,512,275, plus strand): 5'-GAGGAAGTCACATATCTGGTCCTTCTCCTCAGCGGTCAAGTCCCCCGGGCTGCGAAGGTG[G>GA]AAGGCCAGCTCACTGAACTCCACAAGCACCCCTGTCCCACGCCGCACACCTGCCGGAAAG-3'